The following is an entry in ClinVar:

ClinVar aggregate classification (germline): Likely benign. Review status: criteria provided, multiple submitters, no conflicts (2 of 4 stars). 5 submissions from 5 submitters: Likely benign (4). 1 of the submissions does not count toward it. Last evaluated 2026-01-22.

Conditions:
SI-related disorder. Also called: SI-related condition.
Sucrase-isomaltase deficiency (CSID). Also called: Congenital sucrose isomaltose malabsorption; Sucrose isomaltose enzyme deficiency; SI DEFICIENCY; Deficiency of isomaltase. Identifiers: Orphanet 35122, MedGen C1283620, MONDO:0009114, OMIM 222900.

Allele frequency attached by ClinVar (database versions not stated): 1000 Genomes Project 30x 0.00016; TOPMed 0.00018; 1000 Genomes Project 0.00020; gnomAD 0.00021 and 0.00025.
gnomAD v4.1: 334 of 1,588,744 alleles (0.021%); highest among the groups gnomAD compares: East Asian, 0.1%; no homozygotes.

Submissions (5):

Labcorp Genetics (formerly Invitae), Labcorp
Classification: Likely benign. Last evaluated: 2026-01-22. Review status: criteria provided, single submitter. Criteria: Invitae Variant Classification Sherloc (09022015). Collection method: clinical testing. Allele origin: germline.

Blueprint Genetics
Classification: Likely benign. Last evaluated: 2024-09-03. Review status: criteria provided, single submitter. Criteria: ACMG Guidelines, 2015. Collection method: clinical testing. Allele origin: germline.

CeGaT Center for Human Genetics Tuebingen
Classification: Likely benign. Last evaluated: 2022-08-01. Review status: criteria provided, single submitter. Criteria: CeGaT Center For Human Genetics Tuebingen Variant Classification Criteria Version 2. Collection method: clinical testing. Allele origin: germline. Affected: yes. Observed: 1 variant allele.
Comment: SI: BP4, BP7

Fulgent Genetics
Classification: Likely benign for Sucrase-isomaltase deficiency. Last evaluated: 2021-12-20. Review status: criteria provided, single submitter. Criteria: ACMG Guidelines, 2015. Collection method: clinical testing. Allele origin: unknown.

PreventionGenetics, part of Exact Sciences
Classification: Likely benign for SI-related condition. Last evaluated: 2019-07-30. Review status: no assertion criteria provided. Collection method: clinical testing. Allele origin: germline. Not counted in ClinVar's aggregate classification.
Comment: This variant is classified as likely benign based on ACMG/AMP sequence variant interpretation guidelines (Richards et al. 2015 PMID: 25741868, with internal and published modifications).

NM_001041.4(SI):c.1587G>A (p.Pro529=)

Gene: SI (sucrase-isomaltase; minus strand). Cytogenetic location: 3q26.1.
Variant type: single nucleotide variant.
Coding change: c.1587G>A on transcript NM_001041.4 (MANE Select); coding-DNA position 1587, G replaced by A.
Protein change: p.Pro529=; no amino-acid change (proline 529 retained).
Molecular consequence: synonymous variant.
Genome position (GRCh38, 1-based): chr3:165,049,801, C>T on the plus strand (G>A on the coding strand, the complement: SI is on the minus strand). VCF-style: chr3-165049801-C-T. GRCh37 (hg19) VCF-style: chr3-164767589-C-T.
Other names: c.1587G>A (NM_001041.3).
Identifiers: ClinVar variation 1662084 (VCV001662084.35), dbSNP rs531422962, ClinGen allele CA2691018.